The following is an entry in ClinVar:

ClinVar aggregate classification (germline): Pathogenic/Likely pathogenic. Review status: criteria provided, multiple submitters, no conflicts (2 of 4 stars). 2 submissions from 2 submitters: Pathogenic (1); Likely pathogenic (1). Last evaluated 2023-11-10.

Conditions:
Chédiak-Higashi syndrome (CHS). Also called: Chediak-Higashi Syndrome. Identifiers: Orphanet 167, MedGen C0007965, MONDO:0008963, OMIM 214500.

Allele frequency attached by ClinVar (database versions not stated): gnomAD 0.00001.
gnomAD v4.1: 1 of 1,609,842 alleles (0.000062%); highest among the groups gnomAD compares: Non-Finnish European, 0.000085%; no homozygotes.

Submissions (2):

Labcorp Genetics (formerly Invitae), Labcorp
Classification: Likely pathogenic for Chédiak-Higashi syndrome. Last evaluated: 2023-11-10. Review status: criteria provided, single submitter. Criteria: Invitae Variant Classification Sherloc (09022015). Collection method: clinical testing. Allele origin: germline.
Comment: This sequence change affects a donor splice site in intron 31 of the LYST gene. It is expected to disrupt RNA splicing. Variants that disrupt the donor or acceptor splice site typically lead to a loss of protein function (PMID: 16199547), and loss-of-function variants in LYST are known to be pathogenic (PMID: 9215679, 11857544). This variant is not present in population databases (gnomAD no frequency). This variant has not been reported in the literature in individuals affected with LYST-related conditions. ClinVar contains an entry for this variant (Variation ID: 1323259). Algorithms developed to predict the effect of sequence changes on RNA splicing suggest that this variant may disrupt the consensus splice site. In summary, the currently available evidence indicates that the variant is pathogenic, but additional data are needed to prove that conclusively. Therefore, this variant has been classified as Likely Pathogenic.

Revvity Omics, Revvity
Classification: Pathogenic for Chédiak-Higashi syndrome. Last evaluated: 2019-02-27. Review status: criteria provided, single submitter. Criteria: ACMG Guidelines, 2015. Collection method: clinical testing. Allele origin: germline.

Literature cited by the submitters: PubMed 16199547 (cited by Labcorp Genetics (formerly Invitae), Labcorp); PubMed 9215679 (cited by Labcorp Genetics (formerly Invitae), Labcorp); PubMed 11857544 (cited by Labcorp Genetics (formerly Invitae), Labcorp).

NM_000081.4(LYST):c.8358+2T>C

Gene: LYST (lysosomal trafficking regulator; minus strand). Cytogenetic location: 1q42.3.
Variant type: single nucleotide variant.
Coding change: c.8358+2T>C on transcript NM_000081.4 (MANE Select); the canonical splice donor site of the intron after coding-DNA position 8358, T replaced by C.
Molecular consequence: splice donor variant.
Genome position (GRCh38, 1-based): chr1:235,741,420, A>G on the plus strand (T>C on the coding strand, the complement: LYST is on the minus strand). VCF-style: chr1-235741420-A-G. GRCh37 (hg19) VCF-style: chr1-235904720-A-G.
Other names: c.8358+2T>C (NM_001301365.1).
Identifiers: ClinVar variation 1323259 (VCV001323259.7), dbSNP rs1157079200, ClinGen allele CA344923069.